The following is an entry in ClinVar:

ClinVar aggregate classification (germline): Uncertain significance. Review status: criteria provided, multiple submitters, no conflicts (2 of 4 stars). 2 submissions from 2 submitters: Uncertain significance (2). Last evaluated 2025-03-21.

Conditions:
Colorectal cancer, hereditary nonpolyposis, type 7. Identifiers: Orphanet 144, MedGen C1858380, MONDO:0013725, OMIM 614385.

Submissions (2):

Labcorp Genetics (formerly Invitae), Labcorp
Classification: Uncertain significance for Colorectal cancer, hereditary nonpolyposis, type 7. Last evaluated: 2025-03-21. Review status: criteria provided, single submitter. Criteria: Invitae Variant Classification Sherloc (09022015). Collection method: clinical testing. Allele origin: germline.
Comment: This sequence change replaces cysteine, which is neutral and slightly polar, with arginine, which is basic and polar, at codon 4 of the MLH3 protein (p.Cys4Arg). This variant is not present in population databases (gnomAD no frequency). This variant has not been reported in the literature in individuals affected with MLH3-related conditions. ClinVar contains an entry for this variant (Variation ID: 3232424). An algorithm developed to predict the effect of missense changes on protein structure and function outputs the following: PolyPhen-2: "Benign". The arginine amino acid residue is found in multiple mammalian species, which suggests that this missense change does not adversely affect protein function. In summary, the available evidence is currently insufficient to determine the role of this variant in disease. Therefore, it has been classified as a Variant of Uncertain Significance.

Ambry Genetics
Classification: Uncertain significance. Last evaluated: 2024-01-25. Review status: criteria provided, single submitter. Criteria: Ambry Variant Classification Scheme 2023. Collection method: clinical testing. Allele origin: germline.
Comment: The p.C4R variant (also known as c.10T>C), located in coding exon 1 of the MLH3 gene, results from a T to C substitution at nucleotide position 10. The cysteine at codon 4 is replaced by arginine, an amino acid with highly dissimilar properties. This amino acid position is conserved. In addition, this alteration is predicted to be tolerated by in silico analysis. Based on the available evidence, the clinical significance of this alteration remains unclear.

NM_001040108.2(MLH3):c.10T>C (p.Cys4Arg)

Gene: MLH3 (mutL homolog 3; minus strand). Cytogenetic location: 14q24.3.
Variant type: single nucleotide variant.
Coding change: c.10T>C on transcript NM_001040108.2 (MANE Select); coding-DNA position 10, T replaced by C.
Protein change: p.Cys4Arg; replaces cysteine 4 with arginine.
Molecular consequence: missense variant.
Genome position (GRCh38, 1-based): chr14:75,049,646, A>G on the plus strand (T>C on the coding strand, the complement: MLH3 is on the minus strand). VCF-style: chr14-75049646-A-G. GRCh37 (hg19) VCF-style: chr14-75516349-A-G.
Other names: c.10T>C, p.Cys4Arg (NM_014381.3); short protein forms C4R.
Identifiers: ClinVar variation 3232424 (VCV003232424.2), dbSNP rs2503339754, ClinGen allele CA390452830.
Genomic context (GRCh38, chr14:75,049,646, plus strand): 5'-GGCCCAAGGAGCTTATGGCCAAACCAGAACGCAATTTGGCTTGTACTTCAACTGACAAGC[A>G]CTTGATCATGGTAGGTAGAAAGATGGTGAGAATGCCAGGCACTGGTTTCCTTCTCTGACT-3'
Protein context (NP_001035197.1, residues 1-14): MIK[Cys4Arg]LSVEVQAKLR